The following is an entry in ClinVar:

NM_000020.3(ACVRL1):c.1151A>G (p.Gln384Arg)

Gene: ACVRL1 (activin A receptor like type 1; plus strand). Cytogenetic location: 12q13.13.
Variant type: single nucleotide variant.
Coding change: c.1151A>G on transcript NM_000020.3 (MANE Select); coding-DNA position 1151, A replaced by G.
Protein change: p.Gln384Arg; replaces glutamine 384 with arginine.
Molecular consequence: missense variant. On other transcripts: intron variant (1).
Genome position (GRCh38, 1-based): chr12:51,916,138, A>G. VCF-style: chr12-51916138-A-G. GRCh37 (hg19) VCF-style: chr12-52309922-A-G.
Other names: c.1151A>G, p.Gln384Arg (NM_001077401.2, NM_001406487.1, NM_001406488.1 and 1 more transcripts); c.839A>G, p.Gln280Arg (NM_001406490.1, NM_001406491.1, NM_001406492.1 and 1 more transcripts); c.587A>G, p.Gln196Arg (NM_001406495.1); c.736+638A>G (NM_001406494.1); short protein forms Q196R, Q280R, Q384R.
Identifiers: ClinVar variation 4867591 (VCV004867591.1).

ClinVar aggregate classification (germline): Uncertain significance (1 of 4 stars; one submission).

Conditions:
Cardiovascular phenotype. Identifiers: MedGen CN230736.

gnomAD v4.1: 1 of 1,614,056 alleles (0.000062%); highest among the groups gnomAD compares: East Asian, 0.0022%; no homozygotes.

Submission:

Ambry Genetics
Classification: Uncertain significance for Cardiovascular phenotype. Last evaluated: 2026-05-14. Review status: criteria provided, single submitter. Criteria: Ambry Variant Classification Scheme 2023. Collection method: clinical testing. Allele origin: germline.
Comment: The p.Q384R variant (also known as c.1151A>G), located in coding exon 7 of the ACVRL1 gene, results from an A to G substitution at nucleotide position 1151. The glutamine at codon 384 is replaced by arginine, an amino acid with highly similar properties. This amino acid position is conserved. In addition, the in silico prediction for this alteration is inconclusive. Based on the available evidence, the clinical significance of this variant remains unclear.